The following is an entry in ClinVar:

NM_000264.5(PTCH1):c.25_26insCGGTCCTGGGGCTCGGCGGCGTTACC (p.Glu9fs)

Genes: PTCH1 (patched 1; minus strand), LOC130002133 (ATAC-STARR-seq lymphoblastoid silent region 20071; plus strand). Cytogenetic location: 9q22.32.
Variant type: Insertion.
Coding change: c.25_26insCGGTCCTGGGGCTCGGCGGCGTTACC on transcript NM_000264.5 (MANE Select); coding-DNA positions 25 to 26, CGGTCCTGGGGCTCGGCGGCGTTACC inserted.
Protein change: p.Glu9fs; shifts the reading frame from glutamic acid 9.
Molecular consequence: frameshift variant. On other transcripts: non-coding transcript variant (1), intron variant (3).
Genome position: GRCh38 VCF-style: chr9-95508336-T-TGGTAACGCCGCCGAGCCCCAGGACCG. GRCh37 (hg19) VCF-style: chr9-98270618-T-TGGTAACGCCGCCGAGCCCCAGGACCG.
Other names: c.25_26insCGGTCCTGGGGCTCGGCGGCGTTACC, p.Glu9fs (NM_001354918.2); c.199-1738_199-1737insCGGTCCTGGGGCTCGGCGGCGTTACC (NM_001083603.3); c.4-1738_4-1737insCGGTCCTGGGGCTCGGCGGCGTTACC (NM_001083602.3, NM_001354919.2); short protein forms E9fs.
Identifiers: ClinVar variation 1692307 (VCV001692307.1), dbSNP rs2118910332, ClinGen allele CA2573144866.

ClinVar aggregate classification (germline): Likely pathogenic (1 of 4 stars; one submission).

Conditions:
Hereditary cancer-predisposing syndrome. Also called: Hereditary Cancer Syndrome; Hereditary neoplastic syndrome; Neoplastic Syndromes, Hereditary; Tumor predisposition. Identifiers: Orphanet 140162, MedGen C0027672, MeSH D009386, MONDO:0015356.

Submission:

Sema4
Classification: Likely pathogenic for Hereditary cancer-predisposing syndrome. Last evaluated: 2022-02-15. Review status: criteria provided, single submitter. Criteria: Sema4 Curation Guidelines. Collection method: curation. Allele origin: germline.
Comment: To the best of our knowledge, the PTCH1 c.25_26insCGGTCCTGGGGCTCGGCGGCGTTACC (p.E9AfsX80) variant has not been reported in individuals with PTCH1-related disease. This variant causes a frameshift at amino acid 9 that results in premature termination 80 amino acids downstream. At this location, nonsense-mediated decay is predicted to occur, resulting in a loss of gene function. Loss of function variants in PTCH1 are known to be pathogenic (PMID: 16301862, 16419085). The variant has not been reported in ClinVar. Based on the current evidence available, this variant is interpreted as likely pathogenic.

Literature cited by the submitters: PubMed 16301862; PubMed 16419085.